The following is an entry in ClinVar:

NM_000531.6(OTC):c.281G>C (p.Arg94Thr)

Gene: OTC (ornithine transcarbamylase; plus strand). Cytogenetic location: Xp11.4.
Variant type: single nucleotide variant.
Coding change: c.281G>C on transcript NM_000531.6 (MANE Select); coding-DNA position 281, G replaced by C.
Protein change: p.Arg94Thr; replaces arginine 94 with threonine.
Molecular consequence: missense variant.
Genome position (GRCh38, 1-based): chrX:38,369,860, G>C. VCF-style: chrX-38369860-G-C. GRCh37 (hg19) VCF-style: chrX-38229113-G-C.
Other names: R62T; short protein forms R94T.
Identifiers: ClinVar variation 11007 (VCV000011007.2), dbSNP rs72554345, ClinGen allele CA224537.

ClinVar aggregate classification (germline): Pathogenic. Review status: no assertion criteria provided (0 of 4 stars). 2 submissions from 2 submitters: Pathogenic (2). Last evaluated 2002-02-01.

Conditions:
Ornithine carbamoyltransferase deficiency (OTCD). Also called: ORNITHINE TRANSCARBAMYLASE DEFICIENCY, HYPERAMMONEMIA DUE TO; OTC DEFICIENCY; ORNITHINE TRANSCARBAMYLASE DEFICIENCY; Ornithine Carbamoyltransferase Deficiency Disease. Identifiers: Orphanet 664, MedGen C0268542, MONDO:0010703, OMIM 311250.

Submissions (2):

OMIM
Classification: Pathogenic for ORNITHINE TRANSCARBAMYLASE DEFICIENCY. Last evaluated: 2002-02-01. Review status: no assertion criteria provided. Collection method: literature only. Allele origin: germline.

GenMed Metabolism Lab
Classification: Pathogenic. Review status: no assertion criteria provided. Collection method: not provided. Allele origin: unknown.
Comment: p.Arg94Thr, Late, Carbamyl phosphate binding site
ClinVar note: Converted during submission from pathogenic to Pathogenic.

Literature cited by the submitters: PubMed 11793468 (cited by OMIM).